The following is an entry in ClinVar:

ClinVar aggregate classification (germline): Uncertain significance (1 of 4 stars; one submission).

Conditions:
Hajdu-Cheney syndrome (HJCYS). Also called: ACROOSTEOLYSIS WITH OSTEOPOROSIS AND CHANGES IN SKULL AND MANDIBLE; Acroosteolysis dominant type; SERPENTINE FIBULA-POLYCYSTIC KIDNEY SYNDROME. Identifiers: Orphanet 955, MedGen C0917715, MONDO:0007057, OMIM 102500.

Allele frequency attached by ClinVar (database versions not stated): gnomAD exomes below 0.00001; gnomAD 0.00001; TOPMed 0.00001.
gnomAD v4.1: 3 of 1,614,086 alleles (0.00019%); highest among the groups gnomAD compares: Non-Finnish European, 0.00025%; no homozygotes.

Submission:

Labcorp Genetics (formerly Invitae), Labcorp
Classification: Uncertain significance for Hajdu-Cheney syndrome. Last evaluated: 2024-01-04. Review status: criteria provided, single submitter. Criteria: Invitae Variant Classification Sherloc (09022015). Collection method: clinical testing. Allele origin: germline.
Comment: This sequence change replaces leucine, which is neutral and non-polar, with valine, which is neutral and non-polar, at codon 1844 of the NOTCH2 protein (p.Leu1844Val). This variant is not present in population databases (gnomAD no frequency). This variant has not been reported in the literature in individuals affected with NOTCH2-related conditions. Advanced modeling of protein sequence and biophysical properties (such as structural, functional, and spatial information, amino acid conservation, physicochemical variation, residue mobility, and thermodynamic stability) performed at Invitae indicates that this missense variant is not expected to disrupt NOTCH2 protein function with a negative predictive value of 80%. In summary, the available evidence is currently insufficient to determine the role of this variant in disease. Therefore, it has been classified as a Variant of Uncertain Significance.

NM_024408.4(NOTCH2):c.5530T>G (p.Leu1844Val)

Gene: NOTCH2 (notch receptor 2; minus strand). Cytogenetic location: 1p12.
Variant type: single nucleotide variant.
Coding change: c.5530T>G on transcript NM_024408.4 (MANE Select); coding-DNA position 5530, T replaced by G.
Protein change: p.Leu1844Val; replaces leucine 1844 with valine.
Molecular consequence: missense variant.
Genome position (GRCh38, 1-based): chr1:119,919,563, A>C on the plus strand (T>G on the coding strand, the complement: NOTCH2 is on the minus strand). VCF-style: chr1-119919563-A-C. GRCh37 (hg19) VCF-style: chr1-120462186-A-C.
Other names: short protein forms L1844V.
Identifiers: ClinVar variation 2788250 (VCV002788250.3), dbSNP rs1364033989, ClinGen allele CA341884905.